The following is an entry in ClinVar:

NM_172362.3(KCNH1):c.1055C>A (p.Ser352Tyr)

Gene: KCNH1 (potassium voltage-gated channel subfamily H member 1; minus strand). Cytogenetic location: 1q32.2.
Variant type: single nucleotide variant.
Coding change: c.1055C>A on transcript NM_172362.3 (MANE Select); coding-DNA position 1055, C replaced by A.
Protein change: p.Ser352Tyr; replaces serine 352 with tyrosine.
Molecular consequence: missense variant.
Genome position (GRCh38, 1-based): chr1:210,920,047, G>T on the plus strand (C>A on the coding strand, the complement: KCNH1 is on the minus strand). VCF-style: chr1-210920047-G-T. GRCh37 (hg19) VCF-style: chr1-211093389-G-T.
Other names: c.974C>A, p.Ser325Tyr (NM_002238.4); short protein forms S325Y, S352Y.
Identifiers: ClinVar variation 183419 (VCV000183419.2), dbSNP rs730882172, ClinGen allele CA215111.

ClinVar aggregate classification (germline): Pathogenic (0 of 4 stars; one submission).

Conditions:
Zimmermann-Laband syndrome 1 (ZLS1). Identifiers: Orphanet 3473, MedGen C4551773, MONDO:0024526, OMIM 135500.

Submission:

Reparto di Fisiopatologia delle Malattie Genetiche, Dipartimento di Ematologia, Oncologia; Istituto Superiore di Sanità
Classification: Pathogenic for Laband syndrome. Review status: no assertion criteria provided. Collection method: not provided. Allele origin: de novo.
Comment: Genomic DNA was isolated from peripheral blood leukocytes.
ClinVar note: Converted during submission from pathogenic to Pathogenic.